The following is an entry in ClinVar:

NM_015272.5(RPGRIP1L):c.3935A>C (p.Asp1312Ala)

Gene: RPGRIP1L (RPGRIP1 like; minus strand). Cytogenetic location: 16q12.2.
Variant type: single nucleotide variant.
Coding change: c.3935A>C on transcript NM_015272.5 (MANE Select); coding-DNA position 3935, A replaced by C.
Protein change: p.Asp1312Ala; replaces aspartic acid 1312 with alanine.
Molecular consequence: missense variant.
Genome position (GRCh38, 1-based): chr16:53,602,089, T>G on the plus strand (A>C on the coding strand, the complement: RPGRIP1L is on the minus strand). VCF-style: chr16-53602089-T-G. GRCh37 (hg19) VCF-style: chr16-53636001-T-G.
Other names: c.3935A>C (NM_015272.2, NM_015272.4); c.3695A>C, p.Asp1232Ala (NM_001127897.4); c.3797A>C, p.Asp1266Ala (NM_001308334.3); c.3833A>C, p.Asp1278Ala (NM_001330538.2); short protein forms D1232A, D1278A, D1266A, D1312A.
Identifiers: ClinVar variation 1500233 (VCV001500233.7), dbSNP rs1963404223, ClinGen allele CA395918567.
Genomic context (GRCh38, chr16:53,602,089, plus strand): 5'-TGTGAGCATTTACTGAGGAGTAGGAGATGCCTCTGGAGCATTTGCTTTCAAGCCTCCAAG[T>G]CATCTCTGTATTGCTTGTAGACAGACTGGAGGGCATGGAGAGCTTCGACTGTTACCCTGA-3'
Protein context (NP_056087.2, residues 1302-1315): LQSVYKQYRD[Asp1312Ala]LEA

ClinVar aggregate classification (germline): Uncertain significance. Review status: criteria provided, multiple submitters, no conflicts (2 of 4 stars). 3 submissions from 3 submitters: Uncertain significance (3). Last evaluated 2025-08-31.

Conditions:
Inborn genetic diseases. Identifiers: MedGen C0950123, MeSH D030342.
RPGRIP1L-related disorder. Also called: RPGRIP1L-related disorders; RPGRIP1L-related condition. Identifiers: MedGen CN239416.
Meckel-Gruber syndrome. Also called: Dysencephalia splachnocystica; DYSENCEPHALIA SPLANCHNOCYSTICA; GRUBER SYNDROME. Identifiers: Orphanet 564, MedGen C0265215, MONDO:0018921.
Joubert syndrome. Also called: JOUBERT-BOLTSHAUSER SYNDROME; Familial aplasia of the vermis. Identifiers: Orphanet 475, MedGen C5979921, MONDO:0018772.

Allele frequency attached by ClinVar (database versions not stated): TOPMed 0.00001.
gnomAD v4.1: 1 of 1,608,316 alleles (0.000062%); no homozygotes.

Submissions (3):

Ambry Genetics
Classification: Uncertain significance for Inborn genetic diseases. Last evaluated: 2025-08-31. Review status: criteria provided, single submitter. Criteria: Ambry Variant Classification Scheme 2023. Collection method: clinical testing. Allele origin: germline.

PreventionGenetics, part of Exact Sciences
Classification: Uncertain significance for RPGRIP1L-related condition. Last evaluated: 2022-10-25. Review status: criteria provided, single submitter. Criteria: ACMG Guidelines, 2015. Collection method: clinical testing. Allele origin: germline.
Comment: The RPGRIP1L c.3935A>C variant is predicted to result in the amino acid substitution p.Asp1312Ala. To our knowledge, this variant has not been reported in the literature or in a large population database, indicating this variant is rare. At this time, the clinical significance of this variant is uncertain due to the absence of conclusive functional and genetic evidence.

Labcorp Genetics (formerly Invitae), Labcorp
Classification: Uncertain significance for Joubert syndrome; Meckel-Gruber syndrome. Last evaluated: 2021-09-24. Review status: criteria provided, single submitter. Criteria: Invitae Variant Classification Sherloc (09022015). Collection method: clinical testing. Allele origin: germline.
Comment: This sequence change replaces aspartic acid with alanine at codon 1312 of the RPGRIP1L protein (p.Asp1312Ala). The aspartic acid residue is moderately conserved and there is a moderate physicochemical difference between aspartic acid and alanine. This variant is not present in population databases (ExAC no frequency). This variant has not been reported in the literature in individuals with RPGRIP1L-related conditions. Algorithms developed to predict the effect of missense changes on protein structure and function are either unavailable or do not agree on the potential impact of this missense change (SIFT: "Deleterious"; PolyPhen-2: "Benign"; Align-GVGD: "Class C0"). In summary, the available evidence is currently insufficient to determine the role of this variant in disease. Therefore, it has been classified as a Variant of Uncertain Significance.